The following is an entry in ClinVar:

ClinVar aggregate classification (germline): Uncertain significance (1 of 4 stars; one submission).

gnomAD v4.1: 3 of 1,609,404 alleles (0.00019%); highest among the groups gnomAD compares: Non-Finnish European, 0.00026%; no homozygotes.

Submission:

Labcorp Genetics (formerly Invitae), Labcorp
Classification: Uncertain significance. Last evaluated: 2025-03-07. Review status: criteria provided, single submitter. Criteria: Invitae Variant Classification Sherloc (09022015). Collection method: clinical testing. Allele origin: germline.
Comment: This sequence change replaces histidine, which is basic and polar, with leucine, which is neutral and non-polar, at codon 932 of the ITGAM protein (p.His932Leu). This variant is not present in population databases (gnomAD no frequency). This variant has not been reported in the literature in individuals affected with ITGAM-related conditions. An algorithm developed to predict the effect of missense changes on protein structure and function outputs the following: PolyPhen-2: "Benign". The leucine amino acid residue is found in multiple mammalian species, which suggests that this missense change does not adversely affect protein function. In summary, the available evidence is currently insufficient to determine the role of this variant in disease. Therefore, it has been classified as a Variant of Uncertain Significance.

NM_000632.4(ITGAM):c.2795A>T (p.His932Leu)

Gene: ITGAM (integrin subunit alpha M; plus strand). Cytogenetic location: 16p11.2.
Variant type: single nucleotide variant.
Coding change: c.2795A>T on transcript NM_000632.4 (MANE Select); coding-DNA position 2795, A replaced by T.
Protein change: p.His932Leu; replaces histidine 932 with leucine.
Molecular consequence: missense variant.
Genome position (GRCh38, 1-based): chr16:31,329,230, A>T. VCF-style: chr16-31329230-A-T. GRCh37 (hg19) VCF-style: chr16-31340551-A-T.
Other names: c.2798A>T, p.His933Leu (NM_001145808.2); short protein forms H932L, H933L.
Identifiers: ClinVar variation 4769516 (VCV004769516.1).
Genomic context (GRCh38, chr16:31,329,230, plus strand): 5'-ACCCTCCCAGGGCACCCCTCATGTTTTGTCACCTCCTGTCCCTTTTTTCTCCCTTCAGCC[A>T]TGGGGTCTCCACTAAATATCTCAACTTCACGGCCTCAGAGAATACCAGTCGGGTCATGCA-3'
Protein context (NP_000623.2, residues 922-942): KYAVYMVVTS[His932Leu]GVSTKYLNFT